The following is an entry in ClinVar:

ClinVar aggregate classification (germline): Uncertain significance (1 of 4 stars; one submission).

Allele frequency attached by ClinVar (database versions not stated): gnomAD exomes below 0.00001.
gnomAD v4.1: 3 of 1,599,180 alleles (0.00019%); highest among the groups gnomAD compares: Non-Finnish European, 0.00026%; no homozygotes.

Submission:

Ambry Genetics
Classification: Uncertain significance. Last evaluated: 2021-06-21. Review status: criteria provided, single submitter. Criteria: Ambry Variant Classification Scheme 2023. Collection method: clinical testing. Allele origin: germline.
Comment: The p.D580A variant (also known as c.1739A>C), located in coding exon 16 of the PRKDC gene, results from an A to C substitution at nucleotide position 1739. The aspartic acid at codon 580 is replaced by alanine, an amino acid with dissimilar properties. This amino acid position is conserved. In addition, the in silico prediction for this alteration is inconclusive. Since supporting evidence is limited at this time, the clinical significance of this alteration remains unclear.

NM_006904.7(PRKDC):c.1739A>C (p.Asp580Ala)

Gene: PRKDC (protein kinase, DNA-activated, catalytic subunit; minus strand). Cytogenetic location: 8q11.21.
Variant type: single nucleotide variant.
Coding change: c.1739A>C on transcript NM_006904.7 (MANE Select); coding-DNA position 1739, A replaced by C.
Protein change: p.Asp580Ala; replaces aspartic acid 580 with alanine.
Molecular consequence: missense variant.
Genome position (GRCh38, 1-based): chr8:47,933,057, T>G on the plus strand (A>C on the coding strand, the complement: PRKDC is on the minus strand). VCF-style: chr8-47933057-T-G. GRCh37 (hg19) VCF-style: chr8-48845617-T-G.
Other names: c.1739A>C, p.Asp580Ala (NM_001081640.2); short protein forms D580A.
Identifiers: ClinVar variation 1779134 (VCV001779134.2), dbSNP rs2551879020, ClinGen allele CA371164966.